The following is an entry in ClinVar:

ClinVar aggregate classification (germline): Uncertain significance (1 of 4 stars; one submission).

Submission:

GeneDx
Classification: Uncertain significance. Last evaluated: 2026-02-25. Review status: criteria provided, single submitter. Criteria: GeneDx Variant Classification Process June 2021. Collection method: clinical testing. Allele origin: germline.
Comment: Not observed at significant frequency in large population cohorts (gnomAD); In silico analysis supports that this missense variant has a deleterious effect on protein structure/function; In silico analysis supports a deleterious effect on splicing; Has not been previously published as pathogenic or benign to our knowledge

NM_002224.4(ITPR3):c.382A>C (p.Lys128Gln)

Gene: ITPR3 (inositol 1,4,5-trisphosphate receptor type 3; plus strand). Cytogenetic location: 6p21.31.
Variant type: single nucleotide variant.
Coding change: c.382A>C on transcript NM_002224.4 (MANE Select); coding-DNA position 382, A replaced by C.
Protein change: p.Lys128Gln; replaces lysine 128 with glutamine.
Molecular consequence: missense variant.
Genome position (GRCh38, 1-based): chr6:33,658,682, A>C. VCF-style: chr6-33658682-A-C. GRCh37 (hg19) VCF-style: chr6-33626459-A-C.
Other names: short protein forms K128Q.
Identifiers: ClinVar variation 5009969 (VCV005009969.1).